The following is an entry in ClinVar:

ClinVar aggregate classification (germline): Likely benign. Review status: criteria provided, single submitter (1 of 4 stars). 2 submissions from 2 submitters: Likely benign (1). 1 of the submissions does not count toward it. Last evaluated 2025-09-08.

Conditions:
PCLO-related disorder. Also called: PCLO-related condition.

Allele frequency attached by ClinVar (database versions not stated): gnomAD 0.00006; TOPMed 0.00008; ExAC 0.00010.
gnomAD v4.1: 644 of 1,612,632 alleles (0.04%); highest among the groups gnomAD compares: Non-Finnish European, 0.054%; no homozygotes.

Submissions (2):

Labcorp Genetics (formerly Invitae), Labcorp
Classification: Likely benign. Last evaluated: 2025-09-08. Review status: criteria provided, single submitter. Criteria: Invitae Variant Classification Sherloc (09022015). Collection method: clinical testing. Allele origin: germline.

PreventionGenetics, part of Exact Sciences
Classification: Likely benign for PCLO-related condition. Last evaluated: 2020-01-31. Review status: no assertion criteria provided. Collection method: clinical testing. Allele origin: germline. Not counted in ClinVar's aggregate classification.
Comment: This variant is classified as likely benign based on ACMG/AMP sequence variant interpretation guidelines (Richards et al. 2015 PMID: 25741868, with internal and published modifications).

NM_033026.6(PCLO):c.4659G>A (p.Glu1553=)

Gene: PCLO (piccolo presynaptic cytomatrix protein; minus strand). Cytogenetic location: 7q21.11.
Variant type: single nucleotide variant.
Coding change: c.4659G>A on transcript NM_033026.6 (MANE Select); coding-DNA position 4659, G replaced by A.
Protein change: p.Glu1553=; no amino-acid change (glutamic acid 1553 retained).
Molecular consequence: synonymous variant.
Genome position (GRCh38, 1-based): chr7:82,956,294, C>T on the plus strand (G>A on the coding strand, the complement: PCLO is on the minus strand). VCF-style: chr7-82956294-C-T. GRCh37 (hg19) VCF-style: chr7-82585610-C-T.
Other names: c.4659G>A, p.Glu1553= (NM_014510.3); c.4659G>A (NM_033026.5).
Identifiers: ClinVar variation 1553616 (VCV001553616.10), dbSNP rs764878698, ClinGen allele CA4320782.
Genomic context (GRCh38, chr7:82,956,294, plus strand): 5'-TTCAGAACCTGAAGCATCTTCATCAGCACTCATTTCTATGATTTGTTTTCGAATGAAGTC[C>T]TCCTCTTCCCCTGATCCTTGGCTGTCTTCCTGTTTATACTCATCACTGCTTGATGAGCCA-3'
Protein context (NP_149015.2, residues 1543-1563): QEDSQGSGEE[Glu1553=]DFIRKQIIEM